The following is an entry in ClinVar:

ClinVar aggregate classification (germline): Uncertain significance (1 of 4 stars; one submission).

gnomAD v4.1: 1 of 1,580,030 alleles (0.000063%); highest among the groups gnomAD compares: South Asian, 0.0011%; no homozygotes.

Submission:

Ambry Genetics
Classification: Uncertain significance. Last evaluated: 2025-08-24. Review status: criteria provided, single submitter. Criteria: Ambry Variant Classification Scheme 2023. Collection method: clinical testing. Allele origin: germline.
Comment: The p.G5A variant (also known as c.14G>C), located in coding exon 1 of the MC1R gene, results from a G to C substitution at nucleotide position 14. The glycine at codon 5 is replaced by alanine, an amino acid with similar properties. This amino acid position is conserved. In addition, this alteration is predicted to be tolerated by in silico analysis. Based on the available evidence, the clinical significance of this variant remains unclear.

NM_002386.4(MC1R):c.14G>C (p.Gly5Ala)

Gene: MC1R (melanocortin 1 receptor; plus strand). Cytogenetic location: 16q24.3.
Variant type: single nucleotide variant.
Coding change: c.14G>C on transcript NM_002386.4 (MANE Select); coding-DNA position 14, G replaced by C.
Protein change: p.Gly5Ala; replaces glycine 5 with alanine.
Molecular consequence: missense variant.
Genome position (GRCh38, 1-based): chr16:89,919,272, G>C. VCF-style: chr16-89919272-G-C. GRCh37 (hg19) VCF-style: chr16-89985680-G-C.
Other names: short protein forms G5A.
Identifiers: ClinVar variation 4104881 (VCV004104881.1).
Genomic context (GRCh38, chr16:89,919,272, plus strand): 5'-GGACCTGGAGGCCTCCAACGACTCCTTCCTGCTTCCTGGACAGGACTATGGCTGTGCAGG[G>C]ATCCCAGAGAAGACTTCTGGGCTCCCTCAACTCCACCCCCACAGCCATCCCCCAGCTGGG-3'
Protein context (NP_002377.4, residues 1-15): MAVQ[Gly5Ala]SQRRLLGSLN